The following is an entry in ClinVar:

NM_001394073.1(HS6ST2):c.1015G>A (p.Gly339Ser)

Genes: HS6ST2 (heparan sulfate 6-O-sulfotransferase 2; minus strand), HS6ST2-AS1 (HS6ST2 antisense RNA 1; plus strand). Cytogenetic location: Xq26.2.
Variant type: single nucleotide variant.
Coding change: c.1015G>A on transcript NM_001394073.1 (MANE Select); coding-DNA position 1015, G replaced by A.
Protein change: p.Gly339Ser; replaces glycine 339 with serine.
Molecular consequence: missense variant. On other transcripts: intron variant (2).
Genome position (GRCh38, 1-based): chrX:132,669,165, C>T on the plus strand (G>A on the coding strand, the complement: HS6ST2 is on the minus strand). VCF-style: chrX-132669165-C-T. GRCh37 (hg19) VCF-style: chrX-131803193-C-T.
Other names: c.1015G>A, p.Gly339Ser (NM_001077188.2); c.948-40072G>A (NM_147175.4, NM_001394074.1); short protein forms G339S.
Identifiers: ClinVar variation 4688293 (VCV004688293.1).

ClinVar aggregate classification (germline): Uncertain significance (1 of 4 stars; one submission).

gnomAD v4.1: 5 of 1,210,166 alleles (0.00041%); highest among the groups gnomAD compares: Admixed American, 0.0043%; no homozygotes.

Submission:

Women's Health and Genetics/Laboratory Corporation of America, LabCorp
Classification: Uncertain significance. Last evaluated: 2025-12-15. Review status: criteria provided, single submitter. Criteria: LabCorp Variant Classification Summary - May 2015. Collection method: clinical testing. Allele origin: germline.
Comment: Variant summary: HS6ST2 c.1015G>A (p.Gly339Ser) results in a non-conservative amino acid change in the encoded protein sequence. Algorithms developed to predict the effect of missense changes on protein structure and function are either unavailable or do not agree on the potential impact of this missense change. The variant allele was found at a frequency of 5.6e-06 in 177924 control chromosomes. The available data on variant occurrences in the general population are insufficient to allow any conclusion about variant significance. To our knowledge, no occurrence of c.1015G>A in individuals affected with HS6ST2-related conditions and no experimental evidence demonstrating its impact on protein function have been reported. No submitters have cited clinical-significance assessments for this variant to ClinVar. Based on the evidence outlined above, the variant was classified as uncertain significance.